The following is an entry in ClinVar:

ClinVar aggregate classification (germline): Pathogenic (1 of 4 stars; one submission).

gnomAD v4.1: 1 of 1,614,166 alleles (0.000062%); highest among the groups gnomAD compares: Non-Finnish European, 0.000085%; no homozygotes.

Submission:

Dasa
Classification: Pathogenic. Last evaluated: 2026-04-05. Review status: criteria provided, single submitter. Criteria: DASA Assertion Criteria. Collection method: clinical testing. Allele origin: germline.
Comment: NM_000294.3(PHKG2):c.393-1G>C introduces a premature termination codon predicted to result in loss of normal protein function. Loss-of-function is an established mechanism of disease for this gene. The variant is present at low frequency in population datasets. Based on the available data, this variant is classified as pathogenic.

NM_000294.3(PHKG2):c.393-1G>C

Gene: PHKG2 (phosphorylase kinase catalytic subunit gamma 2; plus strand). Cytogenetic location: 16p11.2.
Variant type: single nucleotide variant.
Coding change: c.393-1G>C on transcript NM_000294.3 (MANE Select); the canonical splice acceptor site of the intron before coding-DNA position 393, G replaced by C.
Molecular consequence: splice acceptor variant.
Genome position (GRCh38, 1-based): chr16:30,753,393, G>C. VCF-style: chr16-30753393-G-C. GRCh37 (hg19) VCF-style: chr16-30764714-G-C.
Other names: c.393-1G>C (NM_001172432.2).
Identifiers: ClinVar variation 4851989 (VCV004851989.1).